The following is an entry in ClinVar:

NM_001042472.3(ABHD12):c.1030C>A (p.Leu344Ile)

Gene: ABHD12 (abhydrolase domain containing 12, lysophospholipase; minus strand). Cytogenetic location: 20p11.21.
Variant type: single nucleotide variant.
Coding change: c.1030C>A on transcript NM_001042472.3 (MANE Select); coding-DNA position 1030, C replaced by A.
Protein change: p.Leu344Ile; replaces leucine 344 with isoleucine.
Molecular consequence: missense variant.
Genome position (GRCh38, 1-based): chr20:25,302,346, G>T on the plus strand (C>A on the coding strand, the complement: ABHD12 is on the minus strand). VCF-style: chr20-25302346-G-T. GRCh37 (hg19) VCF-style: chr20-25282982-G-T.
Other names: c.1030C>A, p.Leu344Ile (NM_015600.5); short protein forms L344I.
Identifiers: ClinVar variation 3768736 (VCV003768736.1).

ClinVar aggregate classification (germline): Uncertain significance (1 of 4 stars; one submission).

gnomAD v4.1: 27 of 1,613,054 alleles (0.0017%); highest among the groups gnomAD compares: Non-Finnish European, 0.002%; no homozygotes.

Submission:

Women's Health and Genetics/Laboratory Corporation of America, LabCorp
Classification: Uncertain significance. Last evaluated: 2025-02-25. Review status: criteria provided, single submitter. Criteria: LabCorp Variant Classification Summary - May 2015. Collection method: clinical testing. Allele origin: germline.
Comment: Variant summary: ABHD12 c.1030C>A (p.Leu344Ile) results in a conservative amino acid change in the encoded protein sequence. Three of five in-silico tools predict a damaging effect of the variant on protein function. Consensus agreement among computation tools predict no significant impact on normal splicing. However, these predictions have yet to be confirmed by functional studies. The variant allele was found at a frequency of 8e-06 in 251206 control chromosomes. The available data on variant occurrences in the general population are insufficient to allow any conclusion about variant significance. To our knowledge, no occurrence of c.1030C>A in individuals affected with PHARC syndrome and no experimental evidence demonstrating its impact on protein function have been reported. No submitters have cited clinical-significance assessments for this variant to ClinVar. Based on the evidence outlined above, the variant was classified as uncertain significance.